The following is an entry in ClinVar:

ClinVar aggregate classification (germline): Uncertain significance (1 of 4 stars; one submission).

Allele frequency attached by ClinVar (database versions not stated): gnomAD exomes below 0.00001.
gnomAD v4.1: 2 of 1,613,432 alleles (0.00012%); highest among the groups gnomAD compares: East Asian, 0.0045%; no homozygotes.

Submissions (2):

GeneDx
Classification: Uncertain significance. Last evaluated: 2023-02-28. Review status: criteria provided, single submitter. Criteria: GeneDx Variant Classification Process June 2021. Collection method: clinical testing. Allele origin: germline. Affected: yes.
Comment: Canonical splice site variant predicted to result in a null allele in a gene for which loss of function is a known mechanism of disease; Has not been previously published as pathogenic or benign to our knowledge

Dr. Peter K. Rogan Lab, Western University
No classification provided (evidence only). Condition: Gastric cancer. Review status: no classification provided. Collection method: in vitro. Allele origin: not applicable. Functional consequence: retained intron. Not counted in ClinVar's aggregate classification.

NM_001064.4(TKT):c.1264+2T>C

Gene: TKT (transketolase; minus strand). Cytogenetic location: 3p21.1.
Variant type: single nucleotide variant.
Coding change: c.1264+2T>C on transcript NM_001064.4 (MANE Select); the canonical splice donor site of the intron after coding-DNA position 1264, T replaced by C.
Molecular consequence: splice donor variant.
Genome position (GRCh38, 1-based): chr3:53,229,278, A>G on the plus strand (T>C on the coding strand, the complement: TKT is on the minus strand). VCF-style: chr3-53229278-A-G. GRCh37 (hg19) VCF-style: chr3-53263294-A-G.
Other names: NC_000003.11:g.53263294A>G; c.1264+2T>C (NM_001135055.3); c.1288+2T>C (NM_001258028.2).
Identifiers: ClinVar variation 2578053 (VCV002578053.2), dbSNP rs879954506, ClinGen allele CA353231572.